The following is an entry in ClinVar:

ClinVar aggregate classification (germline): Uncertain significance. Review status: criteria provided, multiple submitters, no conflicts (2 of 4 stars). 2 submissions from 2 submitters: Uncertain significance (2). Last evaluated 2026-06-04.

Conditions:
SPTBN2-related disorder. Also called: SPTBN2-related condition.

Allele frequency attached by ClinVar (database versions not stated): gnomAD exomes 0.00001.
gnomAD v4.1: 12 of 1,613,788 alleles (0.00074%); highest among the groups gnomAD compares: Admixed American, 0.005%; no homozygotes.

Submissions (2):

PreventionGenetics, part of Exact Sciences
Classification: Uncertain significance for SPTBN2-related condition. Last evaluated: 2026-06-04. Review status: criteria provided, single submitter. Criteria: ACMG Guidelines, 2015. Collection method: clinical testing. Allele origin: germline.
Comment: The SPTBN2 c.5264A>G variant is predicted to result in the amino acid substitution p.Asn1755Ser. To our knowledge, this variant has not been reported in the literature or in a large population database (gnomAD), indicating this variant is rare. At this time, the clinical significance of this variant is uncertain due to the absence of conclusive functional and genetic evidence.

Labcorp Genetics (formerly Invitae), Labcorp
Classification: Uncertain significance. Last evaluated: 2024-04-04. Review status: criteria provided, single submitter. Criteria: Invitae Variant Classification Sherloc (09022015). Collection method: clinical testing. Allele origin: germline.
Comment: This sequence change replaces asparagine, which is neutral and polar, with serine, which is neutral and polar, at codon 1755 of the SPTBN2 protein (p.Asn1755Ser). This variant is not present in population databases (gnomAD no frequency). This variant has not been reported in the literature in individuals affected with SPTBN2-related conditions. ClinVar contains an entry for this variant (Variation ID: 2071503). Advanced modeling of protein sequence and biophysical properties (such as structural, functional, and spatial information, amino acid conservation, physicochemical variation, residue mobility, and thermodynamic stability) performed at Invitae indicates that this missense variant is not expected to disrupt SPTBN2 protein function with a negative predictive value of 80%. In summary, the available evidence is currently insufficient to determine the role of this variant in disease. Therefore, it has been classified as a Variant of Uncertain Significance.

NM_006946.4(SPTBN2):c.5264A>G (p.Asn1755Ser)

Gene: SPTBN2 (spectrin beta, non-erythrocytic 2; minus strand). Cytogenetic location: 11q13.2.
Variant type: single nucleotide variant.
Coding change: c.5264A>G on transcript NM_006946.4 (MANE Select); coding-DNA position 5264, A replaced by G.
Protein change: p.Asn1755Ser; replaces asparagine 1755 with serine.
Molecular consequence: missense variant.
Genome position (GRCh38, 1-based): chr11:66,691,585, T>C on the plus strand (A>G on the coding strand, the complement: SPTBN2 is on the minus strand). VCF-style: chr11-66691585-T-C. GRCh37 (hg19) VCF-style: chr11-66459056-T-C.
Other names: c.5285A>G, p.Asn1762Ser (NM_001411025.1); c.5264A>G (NM_006946.2); short protein forms N1755S, N1762S.
Identifiers: ClinVar variation 2071503 (VCV002071503.5), dbSNP rs2495902597, ClinGen allele CA381465865.
Genomic context (GRCh38, chr11:66,691,585, plus strand): 5'-CACTCGGCCACGGTGGCCCGTGCAGCATGGCCCCCAGCAATGAGCCCATTGGCCAGCGCA[T>C]TGGCGCTATCTACGCGCTCCTGACCGATGGTGCTTGTGTCCCGGGAGAACTCTCGGAATT-3'
Protein context (NP_008877.2, residues 1745-1765): TIGQERVDSA[Asn1755Ser]ALANGLIAGG